The following is an entry in ClinVar:

NM_001378030.1(CCDC78):c.986T>C (p.Ile329Thr)

Gene: CCDC78 (coiled-coil domain containing 78; minus strand). Cytogenetic location: 16p13.3.
Variant type: single nucleotide variant.
Coding change: c.986T>C on transcript NM_001378030.1 (MANE Select); coding-DNA position 986, T replaced by C.
Protein change: p.Ile329Thr; replaces isoleucine 329 with threonine.
Molecular consequence: missense variant. On other transcripts: non-coding transcript variant (5), intron variant (1).
Genome position (GRCh38, 1-based): chr16:724,173, A>G on the plus strand (T>C on the coding strand, the complement: CCDC78 is on the minus strand). VCF-style: chr16-724173-A-G. GRCh37 (hg19) VCF-style: chr16-774173-A-G.
Other names: c.986T>C, p.Ile329Thr (NM_001031737.3); c.419T>C, p.Ile140Thr (NM_001378033.1); c.953+149T>C (NM_001378031.1); short protein forms I329T, I140T.
Identifiers: ClinVar variation 2727577 (VCV002727577.3), dbSNP rs757052847, ClinGen allele CA7789311.
Genomic context (GRCh38, chr16:724,173, plus strand): 5'-TCCCGATGGCTGAAGTCAGTGACCAGGGGCACGGGCAATGGTTCCAGGTCCAAGCTGGCT[A>G]TGTCAAAAATAGCTTGGGGGTTCCCAGGTGCCCTGTCAGGGTAGGCTAGTGTCTGTCTGG-3'
Protein context (NP_001364959.1, residues 319-339): APGNPQAIFD[Ile329Thr]ASLDLEPLPV

ClinVar aggregate classification (germline): Uncertain significance (1 of 4 stars; one submission).

Conditions:
Congenital myopathy with internal nuclei and atypical cores. Also called: Myopathy, centronuclear, 4. Identifiers: Orphanet 319160, MedGen C4707232, MONDO:0013890, OMIM 614807.

Allele frequency attached by ClinVar (database versions not stated): gnomAD 0.00001; TOPMed 0.00001; gnomAD exomes 0.00003; ExAC 0.00004.

Submission:

Labcorp Genetics (formerly Invitae), Labcorp
Classification: Uncertain significance for Congenital myopathy with internal nuclei and atypical cores. Last evaluated: 2025-11-12. Review status: criteria provided, single submitter. Criteria: Invitae Variant Classification Sherloc (09022015). Collection method: clinical testing. Allele origin: germline.
Comment: This sequence change replaces isoleucine, which is neutral and non-polar, with threonine, which is neutral and polar, at codon 329 of the CCDC78 protein (p.Ile329Thr). This variant is present in population databases (rs757052847, gnomAD 0.006%). This variant has not been reported in the literature in individuals affected with CCDC78-related conditions. ClinVar contains an entry for this variant (Variation ID: 2727577). Invitae Evidence Modeling of protein sequence and biophysical properties (such as structural, functional, and spatial information, amino acid conservation, physicochemical variation, residue mobility, and thermodynamic stability) indicates that this missense variant is not expected to disrupt CCDC78 protein function with a negative predictive value of 80%. In summary, the available evidence is currently insufficient to determine the role of this variant in disease. Therefore, it has been classified as a Variant of Uncertain Significance.